The following is an entry in ClinVar:

NM_001329.4(CTBP2):c.807C>T (p.Asn269=)

Gene: CTBP2 (C-terminal binding protein 2; minus strand). Cytogenetic location: 10q26.13.
Variant type: single nucleotide variant.
Coding change: c.807C>T on transcript NM_001329.4 (MANE Select); coding-DNA position 807, C replaced by T.
Protein change: p.Asn269=; no amino-acid change (asparagine 269 retained).
Molecular consequence: synonymous variant.
Genome position (GRCh38, 1-based): chr10:124,993,959, G>A on the plus strand (C>T on the coding strand, the complement: CTBP2 is on the minus strand). VCF-style: chr10-124993959-G-A. GRCh37 (hg19) VCF-style: chr10-126682528-G-A.
Other names: c.807C>T, p.Asn269= (NM_001083914.3, NM_001290214.3, NM_001290215.3 and 3 more transcripts); c.1011C>T, p.Asn337= (NM_001363508.2); c.2427C>T, p.Asn809= (NM_022802.3).
Identifiers: ClinVar variation 2640951 (VCV002640951.24), dbSNP rs756053963, ClinGen allele CA5735772.

ClinVar aggregate classification (germline): Likely benign (1 of 4 stars; one submission).

Allele frequency attached by ClinVar (database versions not stated): gnomAD 0.00001; TOPMed 0.00001; ExAC 0.00002; gnomAD exomes 0.00002.
gnomAD v4.1: 36 of 1,614,000 alleles (0.0022%); highest among the groups gnomAD compares: Admixed American, 0.01%; no homozygotes.

Submission:

CeGaT Center for Human Genetics Tuebingen
Classification: Likely benign. Last evaluated: 2023-08-01. Review status: criteria provided, single submitter. Criteria: CeGaT Center For Human Genetics Tuebingen Variant Classification Criteria Version 2. Collection method: clinical testing. Allele origin: germline. Affected: yes. Observed: 1 variant allele.
Comment: CTBP2: BP4, BP7